The following is an entry in ClinVar:

ClinVar aggregate classification (germline): Uncertain significance (1 of 4 stars; one submission).

Allele frequency attached by ClinVar (database versions not stated): gnomAD exomes below 0.00001; ExAC 0.00001.
gnomAD v4.1: 2 of 1,613,568 alleles (0.00012%); highest among the groups gnomAD compares: Admixed American, 0.0033%; no homozygotes.

Submission:

Labcorp Genetics (formerly Invitae), Labcorp
Classification: Uncertain significance. Last evaluated: 2025-04-10. Review status: criteria provided, single submitter. Criteria: Invitae Variant Classification Sherloc (09022015). Collection method: clinical testing. Allele origin: germline.
Comment: This sequence change replaces alanine, which is neutral and non-polar, with threonine, which is neutral and polar, at codon 190 of the FBXO11 protein (p.Ala190Thr). This variant is present in population databases (rs748328384, gnomAD 0.006%). This variant has not been reported in the literature in individuals affected with FBXO11-related conditions. ClinVar contains an entry for this variant (Variation ID: 1947487). An algorithm developed to predict the effect of missense changes on protein structure and function (PolyPhen-2) suggests that this variant is likely to be tolerated. In summary, the available evidence is currently insufficient to determine the role of this variant in disease. Therefore, it has been classified as a Variant of Uncertain Significance.

NM_001190274.2(FBXO11):c.568G>A (p.Ala190Thr)

Gene: FBXO11 (F-box protein 11; minus strand). Cytogenetic location: 2p16.3.
Variant type: single nucleotide variant.
Coding change: c.568G>A on transcript NM_001190274.2 (MANE Select); coding-DNA position 568, G replaced by A.
Protein change: p.Ala190Thr; replaces alanine 190 with threonine.
Molecular consequence: missense variant.
Genome position (GRCh38, 1-based): chr2:47,838,878, C>T on the plus strand (G>A on the coding strand, the complement: FBXO11 is on the minus strand). VCF-style: chr2-47838878-C-T. GRCh37 (hg19) VCF-style: chr2-48066017-C-T.
Other names: c.316G>A, p.Ala106Thr (NM_001374325.1, NM_025133.4); short protein forms A190T, A106T.
Identifiers: ClinVar variation 1947487 (VCV001947487.5), dbSNP rs748328384, ClinGen allele CA1650102.